The following is an entry in ClinVar:

ClinVar aggregate classification (germline): Conflicting classifications of pathogenicity. Review status: criteria provided, conflicting classifications (1 of 4 stars). 9 submissions from 8 submitters: Uncertain significance (8); Benign (1). Last evaluated 2026-01-28.

Conditions:
Cardiovascular phenotype. Identifiers: MedGen CN230736.
Hereditary cancer-predisposing syndrome. Also called: Tumor predisposition; Hereditary Cancer Syndrome; Hereditary neoplastic syndrome; Neoplastic Syndromes, Hereditary. Identifiers: Orphanet 140162, MedGen C0027672, MeSH D009386, MONDO:0015356.
Hereditary breast ovarian cancer syndrome. Also called: Breast and ovarian cancer; Hereditary breast and ovarian cancer syndrome; Hereditary breast and ovarian cancer; BRCA1- and BRCA2-Associated Hereditary Breast and Ovarian Cancer; Hereditary breast and ovarian cancer syndrome (HBOC); Hereditary breast and/or ovarian cancer syndrome. Identifiers: Orphanet 145, MedGen C0677776, MeSH D061325, MONDO:0003582. Disease mechanism: loss of function.
Neurofibromatosis, familial spinal (FSNF). Identifiers: Orphanet 636, MedGen C1834235, MONDO:0008078, OMIM 162210. Disease mechanism: loss of function.
Neurofibromatosis, type 1 (NF1). Also called: VON RECKLINGHAUSEN DISEASE; NEUROFIBROMATOSIS, TYPE I, SOMATIC; Peripheral type neurofibromatosis; Neurofibromatosis, type I. Identifiers: Orphanet 636, MedGen C0027831, MONDO:0018975, OMIM 162200. Disease mechanism: loss of function.
Neurofibromatosis-Noonan syndrome (NFNS). Also called: NEUROFIBROMATOSIS WITH NOONAN PHENOTYPE. Identifiers: Orphanet 638, MedGen C2931482, MONDO:0011035, OMIM 601321. Disease mechanism: loss of function.
Café-au-lait macules with pulmonary stenosis (WTSN). Also called: PULMONIC STENOSIS WITH CAFE-AU-LAIT SPOTS. Identifiers: MedGen C0553586, MONDO:0008672, OMIM 193520.
Juvenile myelomonocytic leukemia (JMML). Also called: LEUKEMIA, JUVENILE MYELOMONOCYTIC, SOMATIC. Identifiers: Orphanet 86834, MedGen C0349639, MONDO:0011908, OMIM 607785, HP:0012209.

Allele frequency attached by ClinVar (database versions not stated): gnomAD 0.00001; gnomAD exomes 0.00001; TOPMed 0.00001.
gnomAD v4.1: 17 of 1,613,754 alleles (0.0011%); highest among the groups gnomAD compares: East Asian, 0.018%; no homozygotes.

Submissions (9):

Labcorp Genetics (formerly Invitae), Labcorp
Classification: Benign for Neurofibromatosis, type 1. Last evaluated: 2026-01-28. Review status: criteria provided, single submitter. Criteria: Invitae Variant Classification Sherloc (09022015). Collection method: clinical testing. Allele origin: germline.

GeneDx
Classification: Uncertain significance. Last evaluated: 2024-04-05. Review status: criteria provided, single submitter. Criteria: GeneDx Variant Classification Process June 2021. Collection method: clinical testing. Allele origin: germline. Affected: yes.
Comment: Not observed at significant frequency in large population cohorts (gnomAD); In silico analysis indicates that this missense variant does not alter protein structure/function; This variant is associated with the following publications: (PMID: 32566746, 26956871, 30287823, 36243179, 35264596)

Baylor Genetics
Classification: Uncertain significance for Juvenile myelomonocytic leukemia. Last evaluated: 2024-03-27. Review status: criteria provided, single submitter. Criteria: ACMG Guidelines, 2015. Collection method: clinical testing. Allele origin: unknown.

Fulgent Genetics
Classification: Uncertain significance for Neurofibromatosis, type 1; Neurofibromatosis, familial spinal; Café-au-lait macules with pulmonary stenosis; Neurofibromatosis-Noonan syndrome; Juvenile myelomonocytic leukemia. Last evaluated: 2022-04-12. Review status: criteria provided, single submitter. Criteria: ACMG Guidelines, 2015. Collection method: clinical testing. Allele origin: unknown.

Genome-Nilou Lab
Classification: Uncertain significance for Neurofibromatosis, type 1. Last evaluated: 2022-03-15. Review status: criteria provided, single submitter. Criteria: ACMG Guidelines, 2015. Collection method: clinical testing. Allele origin: germline. Affected: no.

Ambry Genetics
Classification: Uncertain significance for Cardiovascular phenotype; Hereditary cancer-predisposing syndrome. Last evaluated: 2020-12-15. Review status: criteria provided, single submitter. Criteria: Ambry Variant Classification Scheme 2023. Collection method: clinical testing. Allele origin: germline.

Cancer Genomics Group, Japanese Foundation For Cancer Research
Classification: Uncertain significance for Hereditary breast and ovarian cancer syndrome. Last evaluated: 2019-05-01. Review status: criteria provided, single submitter. Criteria: ACMG Guidelines, 2015. Collection method: research. Allele origin: germline. Affected: yes.

Mendelics
Classification: Uncertain significance for Neurofibromatosis, type 1. Last evaluated: 2018-07-02. Review status: criteria provided, single submitter. Criteria: Mendelics Assertion Criteria 2017. Collection method: clinical testing. Allele origin: unknown.

Ambry Genetics
Classification: Uncertain significance for Hereditary cancer-predisposing syndrome. Last evaluated: 2014-07-11. Review status: criteria provided, single submitter. Criteria: Ambry Autosomal Dominant and X-Linked criteria (10/2015). Collection method: clinical testing. Allele origin: germline. Observed: 1 variant allele.
Comment: The p.R2258Q variant (also known as c.6773G>A), located in coding exon 45 of the NF1 gene, results from a G to A substitution at nucleotide position 6773. The arginine at codon 2258 is replaced by glutamine, an amino acid with highly similar properties. This variant was not reported in population based cohorts in the following databases: Database of Single Nucleotide Polymorphisms (dbSNP), NHLBI Exome Sequencing Project (ESP), and 1000 Genomes Project. In the ESP, this variant was not observed in 6503 samples (13006 alleles) with coverage at this position. To date, this alteration has been detected with an allele frequency of approximately 0.02% (greater than 5,000 alleles tested) in our clinical cohort (includes this individual). Based on protein sequence alignment, this amino acid position is highly conserved in available vertebrate species, however glutamine is the reference amino acid in the rock hyrax. In addition, the in silico prediction for this alteration is inconclusive. Since supporting evidence is limited at this time, the clinical significance of<span style="background-color: initial;">p.R2258Q<span style="background-color: initial;">remains unclear.

NM_001042492.3(NF1):c.6773G>A (p.Arg2258Gln)

Gene: NF1 (neurofibromin 1; plus strand). Cytogenetic location: 17q11.2.
Variant type: single nucleotide variant.
Coding change: c.6773G>A on transcript NM_001042492.3 (MANE Select); coding-DNA position 6773, G replaced by A.
Protein change: p.Arg2258Gln; replaces arginine 2258 with glutamine.
Molecular consequence: missense variant.
Genome position (GRCh38, 1-based): chr17:31,338,093, G>A. VCF-style: chr17-31338093-G-A. GRCh37 (hg19) VCF-style: chr17-29665111-G-A.
Other names: c.6710G>A, p.Arg2237Gln (NM_000267.4); short protein forms R2237Q, R2258Q.
Identifiers: ClinVar variation 185248 (VCV000185248.22), dbSNP rs786202030, ClinGen allele CA191443.